The following is an entry in ClinVar:

NM_001458.5(FLNC):c.2147T>G (p.Ile716Ser)

Genes: FLNC (filamin C; plus strand), LOC129999273 (ATAC-STARR-seq lymphoblastoid silent region 18616; plus strand). Cytogenetic location: 7q32.1.
Variant type: single nucleotide variant.
Coding change: c.2147T>G on transcript NM_001458.5 (MANE Select); coding-DNA position 2147, T replaced by G.
Protein change: p.Ile716Ser; replaces isoleucine 716 with serine.
Molecular consequence: missense variant.
Genome position (GRCh38, 1-based): chr7:128,842,256, T>G. VCF-style: chr7-128842256-T-G. GRCh37 (hg19) VCF-style: chr7-128482310-T-G.
Other names: c.2147T>G, p.Ile716Ser (NM_001127487.2); short protein forms I716S.
Identifiers: ClinVar variation 5021943 (VCV005021943.1).

ClinVar aggregate classification (germline): Uncertain significance (1 of 4 stars; one submission).

Conditions:
Cardiovascular phenotype. Identifiers: MedGen CN230736.

Submission:

Ambry Genetics
Classification: Uncertain significance for Cardiovascular phenotype. Last evaluated: 2026-07-07. Review status: criteria provided, single submitter. Criteria: Ambry Variant Classification Scheme 2023. Collection method: clinical testing. Allele origin: germline.
Comment: The p.I716S variant (also known as c.2147T>G), located in coding exon 14 of the FLNC gene, results from a T to G substitution at nucleotide position 2147. The isoleucine at codon 716 is replaced by serine, an amino acid with dissimilar properties. This amino acid position is conserved. In addition, this alteration is predicted to be deleterious by in silico analysis. Based on the available evidence, the clinical significance of this variant remains unclear.